The following is an entry in ClinVar:

ClinVar aggregate classification (germline): Conflicting classifications of pathogenicity. Review status: criteria provided, conflicting classifications (1 of 4 stars). 10 submissions from 9 submitters: Likely pathogenic (2); Uncertain significance (6); Benign (2). Last evaluated 2026-09-12.

Conditions:
Primary erythromelalgia. Also called: SCN9A Erythromelalgia (SCN9A-EM); primary erythermalgia. Identifiers: Orphanet 306577, Orphanet 90026, MedGen C0014805, MONDO:0007571, OMIM 133020.
Neuropathy, hereditary sensory and autonomic, type 2A (HSAN2A). Also called: ACROOSTEOLYSIS, GIACCAI TYPE; ACROOSTEOLYSIS, NEUROGENIC; HSAN IIA; MORVAN DISEASE; NEUROPATHY, CONGENITAL SENSORY; NEUROPATHY, HEREDITARY SENSORY RADICULAR, AUTOSOMAL RECESSIVE. Identifiers: Orphanet 970, MedGen C2752089, MONDO:0024309, OMIM 201300.
Paroxysmal extreme pain disorder (PEXPD). Also called: PAIN, SUBMANDIBULAR, OCULAR, AND RECTAL, WITH FLUSHING; RECTAL PAIN, FAMILIAL; SCN9A Paroxysmal Extreme Pain Disorder (SCN9A-PEPD). Identifiers: Orphanet 46348, MedGen C1833661, MONDO:0008179, OMIM 167400.
Channelopathy-associated congenital insensitivity to pain, autosomal recessive. Also called: ASYMBOLIA FOR PAIN; CONGENITAL ANALGESIA, AUTOSOMAL RECESSIVE; Insensitivity to pain, channelopathy-associated. Identifiers: Orphanet 88642, Orphanet 970, MedGen C1855739, MONDO:0009459, OMIM 243000.
Inborn genetic diseases. Identifiers: MedGen C0950123, MeSH D030342.

Allele frequency attached by ClinVar (database versions not stated): TOPMed 0.00011; gnomAD exomes 0.00016 and 0.00015; gnomAD 0.00011; ExAC 0.00017.

Submissions (10):

GeneDx
Classification: Uncertain significance. Last evaluated: 2026-09-12. Review status: criteria provided, single submitter. Criteria: GeneDx Variant Classification Process June 2021. Collection method: clinical testing. Allele origin: germline.
Comment: In silico analysis suggests that this missense variant does not alter protein structure/function; Has not been previously published as pathogenic or benign to our knowledge

Dasa
Classification: Uncertain significance. Last evaluated: 2025-11-10. Review status: criteria provided, single submitter. Criteria: DASA Assertion Criteria. Collection method: clinical testing. Allele origin: germline.
Comment: NM_001365536.1(SCN9A):c.3482G>A (p.Trp1161*) is a nonsense variant in SCN9A predicted to introduce a premature termination codon and is predicted to result in an absent or altered protein product. This variant is rare in population databases. The currently available literature and clinical evidence are not sufficient to establish a definitive association between this variant and the reported condition. Therefore, this variant is classified as a variant of uncertain significance.

Mayo Clinic Laboratories, Mayo Clinic
Classification: Likely pathogenic. Last evaluated: 2024-01-30. Review status: criteria provided, single submitter. Criteria: ACMG Guidelines, 2015. Collection method: clinical testing. Allele origin: germline. Observed: 1 variant allele.
Comment: PM2, PVS1

Blueprint Genetics
Classification: Uncertain significance. Last evaluated: 2023-10-17. Review status: criteria provided, single submitter. Criteria: ACMG Guidelines, 2015. Collection method: clinical testing. Allele origin: germline.

Ambry Genetics
Classification: Uncertain significance for Inborn genetic diseases. Last evaluated: 2023-10-06. Review status: criteria provided, single submitter. Criteria: Ambry Variant Classification Scheme 2023. Collection method: clinical testing. Allele origin: germline.
Comment: Unlikely to be causative of SCN9A-related neuropathic pain syndromes (AD) Based on insufficient or conflicting evidence, the clinical significance of this alteration remains unclear.

Department of Pathology and Laboratory Medicine, Sinai Health System
Classification: Likely pathogenic for Channelopathy-associated congenital insensitivity to pain, autosomal recessive; Primary erythromelalgia; Paroxysmal extreme pain disorder; Neuropathy, hereditary sensory and autonomic, type 2A. Last evaluated: 2023-09-13. Review status: criteria provided, single submitter. Criteria: ACMG Guidelines, 2015. Collection method: research. Allele origin: germline.

ARUP Laboratories, Molecular Genetics and Genomics, ARUP Laboratories
Classification: Uncertain significance. Last evaluated: 2020-02-28. Review status: criteria provided, single submitter. Criteria: ARUP Molecular Germline Variant Investigation Process. Collection method: clinical testing. Allele origin: germline.

Laboratorio de Genetica e Diagnostico Molecular, Hospital Israelita Albert Einstein
Classification: Uncertain significance. Last evaluated: 2020-02-05. Review status: criteria provided, single submitter. Criteria: ACMG Guidelines, 2015. Collection method: clinical testing. Allele origin: germline. Affected: yes.
Comment: ACMG classification criteria: PVS1

Illumina Laboratory Services, Illumina
Classification: Benign for Primary erythromelalgia. Last evaluated: 2018-02-12. Review status: criteria provided, single submitter. Criteria: ICSL Variant Classification Criteria 13 December 2019. Collection method: clinical testing. Allele origin: germline.
Comment: This variant was observed in the ICSL laboratory as part of a predisposition screen in an ostensibly healthy population. It had not been previously curated by ICSL or reported in the Human Gene Mutation Database (HGMD: prior to June 1st, 2018), and was therefore a candidate for classification through an automated scoring system. Utilizing variant allele frequency, disease prevalence and penetrance estimates, and inheritance mode, an automated score was calculated to assess if this variant is too frequent to cause the disease. Based on the score and internal cut-off values, a variant classified as benign is not then subjected to further curation. The score for this variant resulted in a classification of benign for this disease.

Illumina Laboratory Services, Illumina
Classification: Benign for Paroxysmal extreme pain disorder. Last evaluated: 2018-02-12. Review status: criteria provided, single submitter. Criteria: ICSL Variant Classification Criteria 13 December 2019. Collection method: clinical testing. Allele origin: germline.
Comment: the same text as in the submission from Illumina Laboratory Services, Illumina above.

Literature cited by the submitters: PubMed 38134749 (cited by Mayo Clinic Laboratories, Mayo Clinic).

NM_001365536.1(SCN9A):c.3482G>A (p.Trp1161Ter)

Genes: SCN1A-AS1 (SCN1A and SCN9A antisense RNA 1; plus strand), SCN9A (sodium voltage-gated channel alpha subunit 9; minus strand). Cytogenetic location: 2q24.3.
Variant type: single nucleotide variant.
Coding change: c.3482G>A on transcript NM_001365536.1 (MANE Select); coding-DNA position 3482, G replaced by A.
Protein change: p.Trp1161Ter; replaces tryptophan 1161 with a stop codon.
Molecular consequence: nonsense.
Genome position (GRCh38, 1-based): chr2:166,242,647, C>T on the plus strand (G>A on the coding strand, the complement: SCN9A is on the minus strand). VCF-style: chr2-166242647-C-T. GRCh37 (hg19) VCF-style: chr2-167099157-C-T.
Other names: p.Trp1150*; short protein forms R1150Q, W1161*.
Identifiers: ClinVar variation 471114 (VCV000471114.23), dbSNP rs759003928, ClinGen allele CA1944039.